The following is an entry in ClinVar:

ClinVar aggregate classification (germline): Uncertain significance (1 of 4 stars; one submission).

Conditions:
Inborn genetic diseases. Identifiers: MedGen C0950123, MeSH D030342.

Allele frequency attached by ClinVar (database versions not stated): gnomAD 0.00001; TOPMed 0.00001.

Submission:

Ambry Genetics
Classification: Uncertain significance for Inborn genetic diseases. Last evaluated: 2024-01-27. Review status: criteria provided, single submitter. Criteria: Ambry Variant Classification Scheme 2023. Collection method: clinical testing. Allele origin: germline.
Comment: The p.C285R variant (also known as c.853T>C), located in coding exon 7 of the ACD gene, results from a T to C substitution at nucleotide position 853. The cysteine at codon 285 is replaced by arginine, an amino acid with highly dissimilar properties. This amino acid position is conserved. In addition, this alteration is predicted to be tolerated by in silico analysis. Since supporting evidence is limited at this time, the clinical significance of this alteration remains unclear.

NM_001082486.2(ACD):c.595T>C (p.Cys199Arg)

Gene: ACD (ACD shelterin complex subunit and telomerase recruitment factor; minus strand). Cytogenetic location: 16q22.1.
Variant type: single nucleotide variant.
Coding change: c.595T>C on transcript NM_001082486.2 (MANE Select); coding-DNA position 595, T replaced by C.
Protein change: p.Cys199Arg; replaces cysteine 199 with arginine.
Molecular consequence: missense variant.
Genome position (GRCh38, 1-based): chr16:67,658,978, A>G on the plus strand (T>C on the coding strand, the complement: ACD is on the minus strand). VCF-style: chr16-67658978-A-G. GRCh37 (hg19) VCF-style: chr16-67692881-A-G.
Other names: c.595T>C, p.Cys199Arg (NM_001410884.1); c.586T>C, p.Cys196Arg (NM_022914.3); short protein forms C196R, C199R.
Identifiers: ClinVar variation 1763790 (VCV001763790.2), dbSNP rs1178096586, ClinGen allele CA396354048.